The following is an entry in ClinVar:

ClinVar aggregate classification (germline): Uncertain significance (1 of 4 stars; one submission).

gnomAD v4.1: 1 of 1,614,104 alleles (0.000062%); highest among the groups gnomAD compares: Admixed American, 0.0017%; no homozygotes.

Submission:

GeneDx
Classification: Uncertain significance. Last evaluated: 2023-10-30. Review status: criteria provided, single submitter. Criteria: GeneDx Variant Classification Process June 2021. Collection method: clinical testing. Allele origin: germline. Affected: yes.
Comment: Not observed at significant frequency in large population cohorts (gnomAD); In silico analysis supports that this missense variant has a deleterious effect on protein structure/function; Has not been previously published as pathogenic or benign to our knowledge

NM_001282116.2(RFX3):c.446C>T (p.Thr149Ile)

Gene: RFX3 (regulatory factor X3; minus strand). Cytogenetic location: 9p24.2.
Variant type: single nucleotide variant.
Coding change: c.446C>T on transcript NM_001282116.2 (MANE Select); coding-DNA position 446, C replaced by T.
Protein change: p.Thr149Ile; replaces threonine 149 with isoleucine.
Molecular consequence: missense variant.
Genome position (GRCh38, 1-based): chr9:3,330,287, G>A on the plus strand (C>T on the coding strand, the complement: RFX3 is on the minus strand). VCF-style: chr9-3330287-G-A. GRCh37 (hg19) VCF-style: chr9-3330287-G-A.
Other names: c.446C>T, p.Thr149Ile (NM_001282117.2, NM_001377999.1, NM_002919.4 and 1 more transcripts); short protein forms T149I.
Identifiers: ClinVar variation 3363644 (VCV003363644.1).
Genomic context (GRCh38, chr9:3,330,287, plus strand): 5'-TAAACTAAACTACTAAAAATTCAAATACTTACTGTCGCTGGGGAGGCCCGAGTTGTGTGT[G>A]TCACTGAGTGACCAGAATTCTCCATTGAGTTGCCGATCAGATAGGTTCCTCCAGAGCTGC-3'
Protein context (NP_001269045.1, residues 139-159): NSMENSGHSV[Thr149Ile]HTTRASPATI